The following is an entry in ClinVar:

NC_000005.10:g.140113537_140114444delinsGAGGTGGG

Genes: PURA (purine rich element binding protein A; plus strand), LOC129994825 (ATAC-STARR-seq lymphoblastoid silent region 16444; plus strand). Cytogenetic location: 5q31.3.
Variant type: Indel.
Genome position: GRCh38: chr5:140,113,537-140,114,444. GRCh37 (hg19): chr5:139,493,122-139,494,029.
Identifiers: ClinVar variation 2861228 (VCV002861228.3), ClinGen allele CA2739275106.

ClinVar aggregate classification (germline): Pathogenic (1 of 4 stars; one submission).

Conditions:
PURA-related severe neonatal hypotonia-seizures-encephalopathy syndrome (NEDRIHF). Also called: PURA-Related Neurodevelopmental Disorders; NEURODEVELOPMENTAL DISORDER WITH NEONATAL RESPIRATORY INSUFFICIENCY, HYPOTONIA, AND FEEDING DIFFICULTIES. Identifiers: Orphanet 438213, Orphanet 438216, MedGen C4015357, MONDO:1060108, OMIM 616158, MONDO:0018580.

Submission:

Labcorp Genetics (formerly Invitae), Labcorp
Classification: Pathogenic for PURA-related severe neonatal hypotonia-seizures-encephalopathy syndrome. Last evaluated: 2023-05-04. Review status: criteria provided, single submitter. Criteria: Invitae Variant Classification Sherloc (09022015). Collection method: clinical testing. Allele origin: germline.
Comment: For these reasons, this variant has been classified as Pathogenic. This variant has not been reported in the literature in individuals affected with PURA-related conditions. This variant results in the deletion of part of exon 1 (c.-645_263delinsGAGGTGGG) of the PURA gene. It is expected to result in an absent or disrupted protein product. Loss-of-function variants in PURA are known to be pathogenic (PMID: 29097605).

Literature cited by the submitters: PubMed 29097605.